The following is an entry in ClinVar:

NM_004239.4(TRIP11):c.586C>T (p.Gln196Ter)

Gene: TRIP11 (thyroid hormone receptor interactor 11; minus strand). Cytogenetic location: 14q32.12.
Variant type: single nucleotide variant.
Coding change: c.586C>T on transcript NM_004239.4 (MANE Select); coding-DNA position 586, C replaced by T.
Protein change: p.Gln196Ter; replaces glutamine 196 with a stop codon.
Molecular consequence: nonsense.
Genome position (GRCh38, 1-based): chr14:92,021,558, G>A on the plus strand (C>T on the coding strand, the complement: TRIP11 is on the minus strand). VCF-style: chr14-92021558-G-A. GRCh37 (hg19) VCF-style: chr14-92487902-G-A.
Other names: c.583C>T, p.Gln195Ter (NM_001321851.1); short protein forms Q196*, Q195*.
Identifiers: ClinVar variation 619107 (VCV000619107.7), dbSNP rs149079426, ClinGen allele CA7314156.

ClinVar aggregate classification (germline): Pathogenic. Review status: criteria provided, single submitter (1 of 4 stars). 2 submissions from 2 submitters: Pathogenic (1). 1 of the submissions does not count toward it. Last evaluated 2019-06-27.

Conditions:
Odontochondrodysplasia 1. Identifiers: Orphanet 166272, MedGen C5542277, MONDO:0100325, OMIM 184260.

gnomAD v4.1: 8 of 1,613,952 alleles (0.0005%); highest among the groups gnomAD compares: Non-Finnish European, 0.00068%; no homozygotes.

Submissions (2):

SIB Swiss Institute of Bioinformatics
Classification: Pathogenic for Odontochondrodysplasia 1. Last evaluated: 2019-06-27. Review status: criteria provided, single submitter. Criteria: ACMG Guidelines, 2015. Collection method: curation. Allele origin: unknown.
Comment: This variant is interpreted as a Pathogenic for Odontochondrodysplasia, autosomal recessive. The following ACMG Tag(s) were applied: PM2, PVS1, PM3-Strong.

OMIM
Classification: Pathogenic for ODONTOCHONDRODYSPLASIA 1. Last evaluated: 2021-04-12. Review status: no assertion criteria provided. Collection method: literature only. Allele origin: germline. Not counted in ClinVar's aggregate classification.

Literature cited by the submitters: PubMed 30728324 (cited by SIB Swiss Institute of Bioinformatics and OMIM).